The following is an entry in ClinVar:

NM_001374828.1(ARID1B):c.1292CAG[4] (p.Ala433_Gly434insAla)

Gene: ARID1B (AT-rich interaction domain 1B; plus strand). Cytogenetic location: 6q25.3.
Variant type: Microsatellite.
Coding change: c.1292CAG[4] on transcript NM_001374828.1 (MANE Select); four copies in a row of the 3-base unit CAG starting at c.1292; the reference has three copies in a row; one copy, 3 bases duplicated.
Protein change: p.Ala433_Gly434insAla.
Molecular consequence: inframe insertion.
Genome position (GRCh38, 1-based): chr6:156,778,978-156,778,980, CAG duplicated; duplicating any 3 consecutive bases within chr6:156,778,971-156,778,980 gives the same sequence; the position shown is the placement nearest the transcript's 3' end. VCF-style (leftmost placement, unchanged base first): chr6-156778970-G-GGCA. GRCh37 (hg19) VCF-style: chr6-157100104-G-GGCA.
Other names: c.1292CAG[4], p.Ala433_Gly434insAla (NM_001371656.1, NM_001374820.1, NM_017519.3); c.1049_1051dupCAG (NM_020732.3).
Identifiers: ClinVar variation 210265 (VCV000210265.54), dbSNP rs797045267, ClinGen allele CA207134.

ClinVar aggregate classification (germline): Conflicting classifications of pathogenicity. Review status: criteria provided, conflicting classifications (1 of 4 stars). 8 submissions from 8 submitters: Uncertain significance (1); Benign (1); Likely benign (5). 1 of the submissions does not count toward it. Last evaluated 2026-01-12.

Conditions:
ARID1B-Related Disorder. Identifiers: MedGen CN381337.
Inborn genetic diseases. Identifiers: MedGen C0950123, MeSH D030342.

Submissions (8):

Labcorp Genetics (formerly Invitae), Labcorp
Classification: Likely benign. Last evaluated: 2026-01-12. Review status: criteria provided, single submitter. Criteria: Invitae Variant Classification Sherloc (09022015). Collection method: clinical testing. Allele origin: germline.

CeGaT Center for Human Genetics Tuebingen
Classification: Likely benign. Last evaluated: 2026-01-01. Review status: criteria provided, single submitter. Criteria: CeGaT Center For Human Genetics Tuebingen Variant Classification Criteria Version 2. Collection method: clinical testing. Allele origin: germline. Affected: yes. Observed: 14 variant alleles.
Comment: ARID1B: BS1

Blueprint Genetics
Classification: Likely benign. Last evaluated: 2024-11-11. Review status: criteria provided, single submitter. Criteria: ACMG Guidelines, 2015. Collection method: clinical testing. Allele origin: germline.

GeneDx
Classification: Benign. Last evaluated: 2019-10-24. Review status: criteria provided, single submitter. Criteria: GeneDx Variant Classification Process June 2021. Collection method: clinical testing. Allele origin: germline. Affected: yes.

Ambry Genetics
Classification: Likely benign for Inborn genetic diseases. Last evaluated: 2017-07-21. Review status: criteria provided, single submitter. Criteria: Ambry Variant Classification Scheme 2023. Collection method: clinical testing. Allele origin: germline.

Center for Pediatric Genomic Medicine, Children's Mercy Hospital and Clinics
Classification: Uncertain significance. Last evaluated: 2016-10-27. Review status: criteria provided, single submitter. Criteria: ACMG Guidelines, 2015. Collection method: clinical testing. Allele origin: germline.
ClinVar note: Converted during submission from Uncertain Significance to Uncertain significance.

Genetic Services Laboratory, University of Chicago
Classification: Likely benign. Last evaluated: 2015-10-22. Review status: criteria provided, single submitter. Criteria: ACMG Guidelines, 2015. Collection method: clinical testing. Allele origin: germline. Affected: no.

PreventionGenetics, part of Exact Sciences
Classification: Likely benign for ARID1B-related condition. Last evaluated: 2019-07-15. Review status: no assertion criteria provided. Collection method: clinical testing. Allele origin: germline. Not counted in ClinVar's aggregate classification.
Comment: This variant is classified as likely benign based on ACMG/AMP sequence variant interpretation guidelines (Richards et al. 2015 PMID: 25741868, with internal and published modifications).